The following is an entry in ClinVar:

ClinVar aggregate classification (germline): Uncertain significance (0 of 4 stars; one submission).

Conditions:
IVNS1ABP-related disorder. Also called: IVNS1ABP-related condition.

gnomAD v4.1: 513 of 1,613,702 alleles (0.032%); highest among the groups gnomAD compares: Non-Finnish European, 0.041%; no homozygotes.

Submission:

PreventionGenetics, part of Exact Sciences
Classification: Uncertain significance for IVNS1ABP-related condition. Last evaluated: 2024-09-16. Review status: no assertion criteria provided. Collection method: clinical testing. Allele origin: germline.
Comment: The IVNS1ABP c.1642G>T variant is predicted to result in the amino acid substitution p.Ala548Ser. To our knowledge, this variant has not been reported in the literature. This variant is reported in 0.023% of alleles in individuals of European (Non-Finnish) descent in gnomAD. Although we suspect that this variant may be benign, at this time, the clinical significance of this variant is uncertain due to the absence of conclusive functional and genetic evidence.

NM_006469.5(IVNS1ABP):c.1642G>T (p.Ala548Ser)

Gene: IVNS1ABP (influenza virus NS1A binding protein; minus strand). Cytogenetic location: 1q25.3.
Variant type: single nucleotide variant.
Coding change: c.1642G>T on transcript NM_006469.5 (MANE Select); coding-DNA position 1642, G replaced by T.
Protein change: p.Ala548Ser; replaces alanine 548 with serine.
Molecular consequence: missense variant.
Genome position (GRCh38, 1-based): chr1:185,299,743, C>A on the plus strand (G>T on the coding strand, the complement: IVNS1ABP is on the minus strand). VCF-style: chr1-185299743-C-A. GRCh37 (hg19) VCF-style: chr1-185268875-C-A.
Other names: short protein forms A548S.
Identifiers: ClinVar variation 3352503 (VCV003352503.1).